The following is an entry in ClinVar:

NM_022662.4(ANAPC1):c.2020C>T (p.Arg674Cys)

Gene: ANAPC1 (anaphase promoting complex subunit 1; minus strand). Cytogenetic location: 2q13.
Variant type: single nucleotide variant.
Coding change: c.2020C>T on transcript NM_022662.4 (MANE Select); coding-DNA position 2020, C replaced by T.
Protein change: p.Arg674Cys; replaces arginine 674 with cysteine.
Molecular consequence: missense variant.
Genome position (GRCh38, 1-based): chr2:111,843,432, G>A on the plus strand (C>T on the coding strand, the complement: ANAPC1 is on the minus strand). VCF-style: chr2-111843432-G-A. GRCh37 (hg19) VCF-style: chr2-112601009-G-A.
Other names: short protein forms R674C.
Identifiers: ClinVar variation 3026734 (VCV003026734.22), dbSNP rs776057720, ClinGen allele CA1830291.
Genomic context (GRCh38, chr2:111,843,432, plus strand): 5'-AACAGAATAACTCATAAAGAAAACAATAGTATTTACTTACATTTCTAGTCCATGCTAAGC[G>A]GTCTGTGTTATAACCCATCATGTTCATGAGACAAGTCACAAATAAATTCCACTCTGAGTG-3'
Protein context (NP_073153.1, residues 664-684): LMNMMGYNTD[Arg674Cys]LAWTRNFDFE

ClinVar aggregate classification (germline): Uncertain significance (1 of 4 stars; one submission).

Allele frequency attached by ClinVar (database versions not stated): gnomAD 0.00001; TOPMed 0.00001.
gnomAD v4.1: 53 of 1,611,722 alleles (0.0033%); highest among the groups gnomAD compares: Non-Finnish European, 0.0041%; no homozygotes.

Submission:

CeGaT Center for Human Genetics Tuebingen
Classification: Uncertain significance. Last evaluated: 2023-12-01. Review status: criteria provided, single submitter. Criteria: CeGaT Center For Human Genetics Tuebingen Variant Classification Criteria Version 2. Collection method: clinical testing. Allele origin: germline. Affected: yes. Observed: 1 variant allele.
Comment: ANAPC1: PM2